The following is an entry in ClinVar:

NM_002168.4(IDH2):c.137T>A (p.Val46Glu)

Gene: IDH2 (isocitrate dehydrogenase (NADP(+)) 2; minus strand). Cytogenetic location: 15q26.1.
Variant type: single nucleotide variant.
Coding change: c.137T>A on transcript NM_002168.4 (MANE Select); coding-DNA position 137, T replaced by A.
Protein change: p.Val46Glu; replaces valine 46 with glutamic acid.
Molecular consequence: missense variant. On other transcripts: 5 prime UTR variant (1), intron variant (1).
Genome position (GRCh38, 1-based): chr15:90,091,623, A>T on the plus strand (T>A on the coding strand, the complement: IDH2 is on the minus strand). VCF-style: chr15-90091623-A-T. GRCh37 (hg19) VCF-style: chr15-90634855-A-T.
Other names: c.-20T>A (NM_001289910.1); c.-17-2876T>A (NM_001290114.2); short protein forms V46E.
Identifiers: ClinVar variation 835500 (VCV000835500.7), dbSNP rs1418340668, ClinGen allele CA393803092.
Genomic context (GRCh38, chr15:90,091,623, plus strand): 5'-ATGAACTGCCAGATAATACGGGTCATCTCATCACCATCCATCTCCACCACGGGCTTCGCC[A>T]CCTTGATCCTTTTGTCGGCATCTAGAAGCAGGGACACACAGCGCATCATGCCCCTGGGGA-3'
Protein context (NP_002159.2, residues 36-56): RRHYADKRIK[Val46Glu]AKPVVEMDGD

ClinVar aggregate classification (germline): Uncertain significance (1 of 4 stars; one submission).

Conditions:
D-2-hydroxyglutaric aciduria 2 (D2HGA2). Identifiers: Orphanet 79315, MedGen C3150909, MONDO:0013345, OMIM 613657.

Submission:

Labcorp Genetics (formerly Invitae), Labcorp
Classification: Uncertain significance for D-2-hydroxyglutaric aciduria 2. Last evaluated: 2021-08-27. Review status: criteria provided, single submitter. Criteria: Invitae Variant Classification Sherloc (09022015). Collection method: clinical testing. Allele origin: germline.
Comment: This sequence change replaces valine with glutamic acid at codon 46 of the IDH2 protein (p.Val46Glu). The valine residue is highly conserved and there is a moderate physicochemical difference between valine and glutamic acid. This variant is not present in population databases (ExAC no frequency). This variant has not been reported in the literature in individuals affected with IDH2-related conditions. Algorithms developed to predict the effect of missense changes on protein structure and function (SIFT, PolyPhen-2, Align-GVGD) all suggest that this variant is likely to be disruptive. In summary, the available evidence is currently insufficient to determine the role of this variant in disease. Therefore, it has been classified as a Variant of Uncertain Significance.